The following is an entry in ClinVar:

NM_001371986.1(UNC80):c.9782C>T (p.Pro3261Leu)

Gene: UNC80 (unc-80 homolog, NALCN channel complex subunit; plus strand). Cytogenetic location: 2q34.
Variant type: single nucleotide variant.
Coding change: c.9782C>T on transcript NM_001371986.1 (MANE Select); coding-DNA position 9782, C replaced by T.
Protein change: p.Pro3261Leu; replaces proline 3261 with leucine.
Molecular consequence: missense variant.
Genome position (GRCh38, 1-based): chr2:209,995,402, C>T. VCF-style: chr2-209995402-C-T. GRCh37 (hg19) VCF-style: chr2-210860126-C-T.
Other names: c.9584C>T, p.Pro3195Leu (NM_032504.2); c.9512C>T, p.Pro3171Leu (NM_182587.4); short protein forms P3171L, P3195L, P3261L.
Identifiers: ClinVar variation 2414776 (VCV002414776.3), dbSNP rs1480683722, ClinGen allele CA350416291.

ClinVar aggregate classification (germline): Uncertain significance (1 of 4 stars; one submission).

Allele frequency attached by ClinVar (database versions not stated): gnomAD exomes below 0.00001; gnomAD 0.00002; TOPMed 0.00002.
gnomAD v4.1: 8 of 1,551,854 alleles (0.00052%); highest among the groups gnomAD compares: Admixed American, 0.012%; no homozygotes.

Submission:

Labcorp Genetics (formerly Invitae), Labcorp
Classification: Uncertain significance. Last evaluated: 2022-04-09. Review status: criteria provided, single submitter. Criteria: Invitae Variant Classification Sherloc (09022015). Collection method: clinical testing. Allele origin: germline.
Comment: This sequence change replaces proline, which is neutral and non-polar, with leucine, which is neutral and non-polar, at codon 3195 of the UNC80 protein (p.Pro3195Leu). This variant is present in population databases (no rsID available, gnomAD 0.02%). This variant has not been reported in the literature in individuals affected with UNC80-related conditions. Algorithms developed to predict the effect of missense changes on protein structure and function are either unavailable or do not agree on the potential impact of this missense change (SIFT: "Not Available"; PolyPhen-2: "Benign"; Align-GVGD: "Not Available"). In summary, the available evidence is currently insufficient to determine the role of this variant in disease. Therefore, it has been classified as a Variant of Uncertain Significance.